The following is an entry in ClinVar:

ClinVar aggregate classification (germline): Uncertain significance. Review status: criteria provided, multiple submitters, no conflicts (2 of 4 stars). 3 submissions from 3 submitters: Uncertain significance (3). Last evaluated 2024-12-05.

Conditions:
KITLG-related disorder. Also called: KITLG-related condition.

gnomAD v4.1: 17 of 1,608,020 alleles (0.0011%); highest among the groups gnomAD compares: Middle Eastern, 0.017%; no homozygotes.

Submissions (3):

PreventionGenetics, part of Exact Sciences
Classification: Uncertain significance for KITLG-related condition. Last evaluated: 2024-12-05. Review status: criteria provided, single submitter. Criteria: ACMG Guidelines, 2015. Collection method: clinical testing. Allele origin: germline.
Comment: The KITLG c.734C>T variant is predicted to result in the amino acid substitution p.Thr245Ile. To our knowledge, this variant has not been reported in the literature. This variant is reported in 0.00088% of alleles in individuals of European (Non-Finnish) descent in gnomAD. At this time, the clinical significance of this variant is uncertain due to the absence of conclusive functional and genetic evidence.

Labcorp Genetics (formerly Invitae), Labcorp
Classification: Uncertain significance. Last evaluated: 2024-10-30. Review status: criteria provided, single submitter. Criteria: Invitae Variant Classification Sherloc (09022015). Collection method: clinical testing. Allele origin: germline.
Comment: This sequence change replaces threonine, which is neutral and polar, with isoleucine, which is neutral and non-polar, at codon 245 of the KITLG protein (p.Thr245Ile). This variant is present in population databases (no rsID available, gnomAD 0.0009%). This variant has not been reported in the literature in individuals affected with KITLG-related conditions. Invitae Evidence Modeling of protein sequence and biophysical properties (such as structural, functional, and spatial information, amino acid conservation, physicochemical variation, residue mobility, and thermodynamic stability) indicates that this missense variant is not expected to disrupt KITLG protein function with a negative predictive value of 80%. In summary, the available evidence is currently insufficient to determine the role of this variant in disease. Therefore, it has been classified as a Variant of Uncertain Significance.

GeneDx
Classification: Uncertain significance. Last evaluated: 2023-07-05. Review status: criteria provided, single submitter. Criteria: GeneDx Variant Classification Process June 2021. Collection method: clinical testing. Allele origin: germline. Affected: yes.
Comment: Not observed at significant frequency in large population cohorts (gnomAD); In silico analysis supports that this missense variant does not alter protein structure/function; Has not been previously published as pathogenic or benign to our knowledge

NM_000899.5(KITLG):c.734C>T (p.Thr245Ile)

Gene: KITLG (KIT ligand; minus strand). Cytogenetic location: 12q21.32.
Variant type: single nucleotide variant.
Coding change: c.734C>T on transcript NM_000899.5 (MANE Select); coding-DNA position 734, C replaced by T.
Protein change: p.Thr245Ile; replaces threonine 245 with isoleucine.
Molecular consequence: missense variant.
Genome position (GRCh38, 1-based): chr12:88,506,359, G>A on the plus strand (C>T on the coding strand, the complement: KITLG is on the minus strand). VCF-style: chr12-88506359-G-A. GRCh37 (hg19) VCF-style: chr12-88900136-G-A.
Other names: c.650C>T, p.Thr217Ile (NM_003994.6); short protein forms T217I, T245I.
Identifiers: ClinVar variation 3360465 (VCV003360465.4).